The following is an entry in ClinVar:

ClinVar aggregate classification (germline): Pathogenic (1 of 4 stars; one submission).

Submission:

Labcorp Genetics (formerly Invitae), Labcorp
Classification: Pathogenic. Last evaluated: 2024-03-28. Review status: criteria provided, single submitter. Criteria: Invitae Variant Classification Sherloc (09022015). Collection method: clinical testing. Allele origin: germline.
Comment: This sequence change creates a premature translational stop signal (p.Phe37Serfs*24) in the FZD4 gene. It is expected to result in an absent or disrupted protein product. Loss-of-function variants in FZD4 are known to be pathogenic (PMID: 25711638, 26244290). This variant is not present in population databases (gnomAD no frequency). This variant has not been reported in the literature in individuals affected with FZD4-related conditions. For these reasons, this variant has been classified as Pathogenic.

Literature cited by the submitters: PubMed 25711638; PubMed 26244290.

NM_012193.4(FZD4):c.108del (p.Phe37fs)

Gene: FZD4 (frizzled class receptor 4; minus strand). Cytogenetic location: 11q14.2.
Variant type: Deletion.
Coding change: c.108del on transcript NM_012193.4 (MANE Select); coding-DNA position 108, one base deleted (C; older notation c.108delC).
Protein change: p.Phe37fs; shifts the reading frame from phenylalanine 37.
Molecular consequence: frameshift variant.
Genome position (GRCh38, 1-based): chr11:86,954,978, G deleted on the plus strand (C on the coding strand, the reverse complement: FZD4 is on the minus strand). VCF-style (leftmost placement, unchanged base first): chr11-86954977-AG-A. GRCh37 (hg19) VCF-style: chr11-86666019-AG-A.
Other names: short protein forms F37fs.
Identifiers: ClinVar variation 2871966 (VCV002871966.3), dbSNP rs2495874556, ClinGen allele CA2739270729.